The following is an entry in ClinVar:

ClinVar aggregate classification (germline): Uncertain significance (1 of 4 stars; one submission).

Conditions:
Duchenne muscular dystrophy (DMD). Also called: Duchenne Muscular Dystrophy (DMD); MUSCULAR DYSTROPHY, PSEUDOHYPERTROPHIC PROGRESSIVE, DUCHENNE TYPE. Identifiers: Orphanet 98896, MedGen C0013264, MONDO:0010679, OMIM 310200.

Submission:

Labcorp Genetics (formerly Invitae), Labcorp
Classification: Uncertain significance for Duchenne muscular dystrophy. Last evaluated: 2026-01-22. Review status: criteria provided, single submitter. Criteria: Invitae Variant Classification Sherloc (09022015). Collection method: clinical testing. Allele origin: germline.
Comment: This sequence change replaces proline, which is neutral and non-polar, with serine, which is neutral and polar, at codon 2237 of the DMD protein (p.Pro2237Ser). This variant is not present in population databases (gnomAD no frequency). This variant has not been reported in the literature in individuals affected with DMD-related conditions. Invitae Evidence Modeling of protein sequence and biophysical properties (such as structural, functional, and spatial information, amino acid conservation, physicochemical variation, residue mobility, and thermodynamic stability) indicates that this missense variant is not expected to disrupt DMD protein function with a negative predictive value of 95%. In summary, the available evidence is currently insufficient to determine the role of this variant in disease. Therefore, it has been classified as a Variant of Uncertain Significance.

NM_004006.3(DMD):c.6709C>T (p.Pro2237Ser)

Gene: DMD (dystrophin; minus strand). Cytogenetic location: Xp21.1.
Variant type: single nucleotide variant.
Coding change: c.6709C>T on transcript NM_004006.3 (MANE Select); coding-DNA position 6709, C replaced by T.
Protein change: p.Pro2237Ser; replaces proline 2237 with serine.
Molecular consequence: missense variant. On other transcripts: 5 prime UTR variant (5).
Genome position (GRCh38, 1-based): chrX:31,932,133, G>A on the plus strand (C>T on the coding strand, the complement: DMD is on the minus strand). VCF-style: chrX-31932133-G-A. GRCh37 (hg19) VCF-style: chrX-31950250-G-A.
Other names: c.6685C>T, p.Pro2229Ser (NM_000109.4); c.6697C>T, p.Pro2233Ser (NM_004009.3); c.6340C>T, p.Pro2114Ser (NM_004010.3); c.2686C>T, p.Pro896Ser (NM_004011.4); c.2677C>T, p.Pro893Ser (NM_004012.4); c.-672C>T (NM_004013.3, NM_004020.4, NM_004021.3 and 2 more transcripts); short protein forms P2114S, P2229S, P2233S, P2237S, P893S, P896S.
Identifiers: ClinVar variation 4800952 (VCV004800952.1).